The following is an entry in ClinVar:

NM_016373.4(WWOX):c.1162G>C (p.Ala388Pro)

Genes: MAF (MAF bZIP transcription factor; minus strand), WWOX (WW domain containing oxidoreductase; plus strand). Cytogenetic location: 16q23.2.
Variant type: single nucleotide variant.
Coding change: c.1162G>C on transcript NM_016373.4 (MANE Select); coding-DNA position 1162, G replaced by C.
Protein change: p.Ala388Pro; replaces alanine 388 with proline.
Molecular consequence: missense variant.
Genome position (GRCh38, 1-based): chr16:79,211,713, G>C. VCF-style: chr16-79211713-G-C. GRCh37 (hg19) VCF-style: chr16-79245610-G-C.
Other names: c.823G>C, p.Ala275Pro (NM_001291997.2); short protein forms A388P, A275P.
Identifiers: ClinVar variation 410094 (VCV000410094.9), dbSNP rs1060502729, ClinGen allele CA16615004.

ClinVar aggregate classification (germline): Uncertain significance (1 of 4 stars; one submission).

Conditions:
Autosomal recessive spinocerebellar ataxia 12. Also called: SPINOCEREBELLAR ATAXIA WITH MENTAL RETARDATION AND EPILEPSY. Identifiers: Orphanet 284282, MedGen C3280452, MONDO:0013687, OMIM 614322.
Developmental and epileptic encephalopathy, 1 (DEE1). Also called: X-linked infantile spasms; West's syndrome; Tonic spasms with clustering, arrest of psychomotor development and hypsarrhythmia on EEG; X-Linked Infantile Spasm Syndrome; Epileptic encephalopathy, early infantile, 1; OHTAHARA SYNDROME, X-LINKED. Identifiers: MedGen C3463992, MONDO:0010632, OMIM 308350. Disease mechanism: loss of function.

gnomAD v4.1: 1 of 1,614,224 alleles (0.000062%); highest among the groups gnomAD compares: Non-Finnish European, 0.000085%; no homozygotes.

Submission:

Labcorp Genetics (formerly Invitae), Labcorp
Classification: Uncertain significance for Developmental and epileptic encephalopathy, 1; Autosomal recessive spinocerebellar ataxia 12. Last evaluated: 2022-08-16. Review status: criteria provided, single submitter. Criteria: Invitae Variant Classification Sherloc (09022015). Collection method: clinical testing. Allele origin: germline.
Comment: ClinVar contains an entry for this variant (Variation ID: 410094). Algorithms developed to predict the effect of missense changes on protein structure and function are either unavailable or do not agree on the potential impact of this missense change (SIFT: "Not Available"; PolyPhen-2: "Probably Damaging"; Align-GVGD: "Not Available"). In summary, the available evidence is currently insufficient to determine the role of this variant in disease. Therefore, it has been classified as a Variant of Uncertain Significance. This variant has not been reported in the literature in individuals affected with WWOX-related conditions. This sequence change replaces alanine, which is neutral and non-polar, with proline, which is neutral and non-polar, at codon 388 of the WWOX protein (p.Ala388Pro). This variant is not present in population databases (gnomAD no frequency).